The following is an entry in ClinVar:

ClinVar aggregate classification (germline): Uncertain significance (1 of 4 stars; one submission).

Conditions:
Primary ciliary dyskinesia. Also called: Ciliary dyskinesia. Identifiers: Orphanet 244, MedGen C0008780, MONDO:0016575, HP:0012265.

Allele frequency attached by ClinVar (database versions not stated): TOPMed 0.00001; gnomAD 0.00004; gnomAD exomes 0.00004; ExAC 0.00015; 1000 Genomes Project 30x 0.00031.
gnomAD v4.1: 59 of 1,550,134 alleles (0.0038%); highest among the groups gnomAD compares: South Asian, 0.056%; no homozygotes.

Submission:

Labcorp Genetics (formerly Invitae), Labcorp
Classification: Uncertain significance for Primary ciliary dyskinesia. Last evaluated: 2022-10-19. Review status: criteria provided, single submitter. Criteria: Invitae Variant Classification Sherloc (09022015). Collection method: clinical testing. Allele origin: germline.
Comment: In summary, the available evidence is currently insufficient to determine the role of this variant in disease. Therefore, it has been classified as a Variant of Uncertain Significance. Algorithms developed to predict the effect of missense changes on protein structure and function are either unavailable or do not agree on the potential impact of this missense change (SIFT: "Deleterious"; PolyPhen-2: "Benign"; Align-GVGD: "Class C0"). This variant has not been reported in the literature in individuals affected with CCDC114-related conditions. This variant is present in population databases (rs746803038, gnomAD 0.04%). This sequence change replaces arginine, which is basic and polar, with histidine, which is basic and polar, at codon 15 of the CCDC114 protein (p.Arg15His).

NM_001364171.2(ODAD1):c.155G>A (p.Arg52His)

Gene: ODAD1 (outer dynein arm docking complex subunit 1; minus strand). Cytogenetic location: 19q13.33.
Variant type: single nucleotide variant.
Coding change: c.155G>A on transcript NM_001364171.2 (MANE Select); coding-DNA position 155, G replaced by A.
Protein change: p.Arg52His; replaces arginine 52 with histidine.
Molecular consequence: missense variant.
Genome position (GRCh38, 1-based): chr19:48,318,728, C>T on the plus strand (G>A on the coding strand, the complement: ODAD1 is on the minus strand). VCF-style: chr19-48318728-C-T. GRCh37 (hg19) VCF-style: chr19-48821985-C-T.
Other names: c.44G>A, p.Arg15His (NM_144577.4); short protein forms R52H, R15H.
Identifiers: ClinVar variation 2144822 (VCV002144822.2), dbSNP rs746803038, ClinGen allele CA9549091.